The following is an entry in ClinVar:

ClinVar aggregate classification (germline): Uncertain significance (1 of 4 stars; one submission).

Submission:

GeneDx
Classification: Uncertain significance. Last evaluated: 2025-05-30. Review status: criteria provided, single submitter. Criteria: GeneDx Variant Classification Process June 2021. Collection method: clinical testing. Allele origin: germline. Affected: yes.
Comment: Not observed at significant frequency in large population cohorts (gnomAD); In silico analysis suggests that this missense variant does not alter protein structure/function; Has not been previously published as pathogenic or benign to our knowledge

NM_001348323.3(TRIP12):c.6161T>G (p.Leu2054Trp)

Gene: TRIP12 (thyroid hormone receptor interactor 12; minus strand). Cytogenetic location: 2q36.3.
Variant type: single nucleotide variant.
Coding change: c.6161T>G on transcript NM_001348323.3 (MANE Select); coding-DNA position 6161, T replaced by G.
Protein change: p.Leu2054Trp; replaces leucine 2054 with tryptophan.
Molecular consequence: missense variant.
Genome position (GRCh38, 1-based): chr2:229,767,597, A>C on the plus strand (T>G on the coding strand, the complement: TRIP12 is on the minus strand). VCF-style: chr2-229767597-A-C. GRCh37 (hg19) VCF-style: chr2-230632313-A-C.
Other names: c.6080T>G, p.Leu2027Trp (NM_001284214.2, NM_001348315.2); c.6035T>G, p.Leu2012Trp (NM_001284215.2, NM_001348316.2); c.5126T>G, p.Leu1709Trp (NM_001284216.2); c.6020T>G, p.Leu2007Trp (NM_001348317.1, NM_001348318.2); c.6146T>G, p.Leu2049Trp (NM_001348319.1, NM_001348320.2); c.6164T>G, p.Leu2055Trp (NM_001348330.2, NM_001348328.1, NM_001348329.2); c.5939T>G, p.Leu1980Trp (NM_001348331.1); c.6059T>G, p.Leu2020Trp (NM_001348332.1); and 4 more; short protein forms L1709W, L1979W, L1980W, L2007W, L2012W, L2020W, L2027W, L2028W.
Identifiers: ClinVar variation 4532503 (VCV004532503.1).